The following is an entry in ClinVar:

NM_138694.4(PKHD1):c.10628T>C (p.Leu3543Ser)

Gene: PKHD1 (PKHD1 ciliary IPT domain containing fibrocystin/polyductin; minus strand). Cytogenetic location: 6p12.3.
Variant type: single nucleotide variant.
Coding change: c.10628T>C on transcript NM_138694.4 (MANE Select); coding-DNA position 10628, T replaced by C.
Protein change: p.Leu3543Ser; replaces leucine 3543 with serine.
Molecular consequence: missense variant.
Genome position (GRCh38, 1-based): chr6:51,659,498, A>G on the plus strand (T>C on the coding strand, the complement: PKHD1 is on the minus strand). VCF-style: chr6-51659498-A-G. GRCh37 (hg19) VCF-style: chr6-51524296-A-G.
Other names: short protein forms L3543S.
Identifiers: ClinVar variation 458586 (VCV000458586.9), dbSNP rs1554183398, ClinGen allele CA364433489.

ClinVar aggregate classification (germline): Pathogenic (1 of 4 stars; one submission).

Conditions:
Autosomal recessive polycystic kidney disease (ARPKD). Also called: AR polycystic kidney disease. Identifiers: Orphanet 731, Orphanet 8378, MedGen C0085548, MeSH D017044, MONDO:0009889.

Allele frequency attached by ClinVar (database versions not stated): gnomAD exomes below 0.00001.
gnomAD v4.1: 1 of 1,613,308 alleles (0.000062%); highest among the groups gnomAD compares: Non-Finnish European, 0.000085%; no homozygotes.

Submission:

Labcorp Genetics (formerly Invitae), Labcorp
Classification: Pathogenic for Autosomal recessive polycystic kidney disease. Last evaluated: 2022-06-17. Review status: criteria provided, single submitter. Criteria: Invitae Variant Classification Sherloc (09022015). Collection method: clinical testing. Allele origin: germline.
Comment: For these reasons, this variant has been classified as Pathogenic. Advanced modeling of protein sequence and biophysical properties (such as structural, functional, and spatial information, amino acid conservation, physicochemical variation, residue mobility, and thermodynamic stability) performed at Invitae indicates that this missense variant is expected to disrupt PKHD1 protein function. ClinVar contains an entry for this variant (Variation ID: 458586). This missense change has been observed in individual(s) with autosomal recessive polycystic kidney disease (PMID: 15698423; Invitae). In at least one individual the data is consistent with being in trans (on the opposite chromosome) from a pathogenic variant. This variant is not present in population databases (gnomAD no frequency). This sequence change replaces leucine, which is neutral and non-polar, with serine, which is neutral and polar, at codon 3543 of the PKHD1 protein (p.Leu3543Ser).

Literature cited by the submitters: PubMed 15698423.